The following is an entry in ClinVar:

NM_024757.5(EHMT1):c.1883C>T (p.Pro628Leu)

Gene: EHMT1 (euchromatic histone lysine methyltransferase 1; plus strand). Cytogenetic location: 9q34.3.
Variant type: single nucleotide variant.
Coding change: c.1883C>T on transcript NM_024757.5 (MANE Select); coding-DNA position 1883, C replaced by T.
Protein change: p.Pro628Leu; replaces proline 628 with leucine.
Molecular consequence: missense variant.
Genome position (GRCh38, 1-based): chr9:137,776,709, C>T. VCF-style: chr9-137776709-C-T. GRCh37 (hg19) VCF-style: chr9-140671161-C-T.
Other names: c.1883C>T, p.Pro628Leu (NM_001145527.2); c.1790C>T, p.Pro597Leu (NM_001354259.2); c.1862C>T, p.Pro621Leu (NM_001354263.2); short protein forms P597L, P621L, P628L.
Identifiers: ClinVar variation 1310280 (VCV001310280.11), dbSNP rs1399162372, ClinGen allele CA375776216.

ClinVar aggregate classification (germline): Conflicting classifications of pathogenicity. Review status: criteria provided, conflicting classifications (1 of 4 stars). 4 submissions from 4 submitters: Uncertain significance (3); Likely benign (1). Last evaluated 2025-05-01.

Conditions:
Kleefstra syndrome 1 (KLEFS1). Identifiers: Orphanet 261494, MedGen C0795833, MONDO:0027407, OMIM 610253.
Inborn genetic diseases. Identifiers: MedGen C0950123, MeSH D030342.
EHMT1-related disorder. Also called: EHMT1-related condition.

Allele frequency attached by ClinVar (database versions not stated): gnomAD exomes below 0.00001; gnomAD 0.00001; TOPMed 0.00002.
gnomAD v4.1: 6 of 1,613,992 alleles (0.00037%); highest among the groups gnomAD compares: African/African-American, 0.0027%; no homozygotes.

Submissions (4):

PreventionGenetics, part of Exact Sciences
Classification: Uncertain significance for EHMT1-related condition. Last evaluated: 2025-05-01. Review status: criteria provided, single submitter. Criteria: ACMG Guidelines, 2015. Collection method: clinical testing. Allele origin: germline.
Comment: The EHMT1 c.1883C>T variant is predicted to result in the amino acid substitution p.Pro628Leu. To our knowledge, this variant has not been reported in the literature or in a large population database (gnomAD), indicating this variant is rare. At this time, the clinical significance of this variant is uncertain due to the absence of conclusive functional and genetic evidence.

Ambry Genetics
Classification: Uncertain significance for Inborn genetic diseases. Last evaluated: 2024-11-23. Review status: criteria provided, single submitter. Criteria: Ambry Variant Classification Scheme 2023. Collection method: clinical testing. Allele origin: germline.

Labcorp Genetics (formerly Invitae), Labcorp
Classification: Likely benign for Kleefstra syndrome 1. Last evaluated: 2024-06-04. Review status: criteria provided, single submitter. Criteria: Invitae Variant Classification Sherloc (09022015). Collection method: clinical testing. Allele origin: germline.

GeneDx
Classification: Uncertain significance. Last evaluated: 2019-11-13. Review status: criteria provided, single submitter. Criteria: GeneDx Variant Classification Process June 2021. Collection method: clinical testing. Allele origin: germline. Affected: yes.
Comment: Not observed in large population cohorts (Lek et al., 2016); In silico analysis, which includes protein predictors and evolutionary conservation, supports a deleterious effect; Has not been previously published as pathogenic or benign to our knowledge